The following is an entry in ClinVar:

NM_013372.7(GREM1):c.208G>T (p.Gly70Trp)

Gene: GREM1 (gremlin 1, DAN family BMP antagonist; plus strand). Cytogenetic location: 15q13.3.
Variant type: single nucleotide variant.
Coding change: c.208G>T on transcript NM_013372.7 (MANE Select); coding-DNA position 208, G replaced by T.
Protein change: p.Gly70Trp; replaces glycine 70 with tryptophan.
Molecular consequence: missense variant. On other transcripts: intron variant (2).
Genome position (GRCh38, 1-based): chr15:32,730,898, G>T. VCF-style: chr15-32730898-G-T. GRCh37 (hg19) VCF-style: chr15-33023099-G-T.
Other names: c.208G>T, p.Gly70Trp (NM_001368719.1); c.115-30G>T (NM_001191323.2); c.28-30G>T (NM_001191322.2); short protein forms G70W.
Identifiers: ClinVar variation 1785723 (VCV001785723.2), dbSNP rs747649135, ClinGen allele CA391557411.

ClinVar aggregate classification (germline): Uncertain significance (1 of 4 stars; one submission).

Conditions:
Hereditary cancer-predisposing syndrome. Also called: Neoplastic Syndromes, Hereditary; Tumor predisposition; Hereditary Cancer Syndrome; Hereditary neoplastic syndrome. Identifiers: Orphanet 140162, MedGen C0027672, MeSH D009386, MONDO:0015356.

Submission:

Ambry Genetics
Classification: Uncertain significance for Hereditary cancer-predisposing syndrome. Last evaluated: 2022-07-19. Review status: criteria provided, single submitter. Criteria: Ambry Variant Classification Scheme 2023. Collection method: clinical testing. Allele origin: germline.
Comment: The p.G70W variant (also known as c.208G>T), located in coding exon 1 of the GREM1 gene, results from a G to T substitution at nucleotide position 208. The glycine at codon 70 is replaced by tryptophan, an amino acid with highly dissimilar properties. This amino acid position is conserved. In addition, this alteration is predicted to be tolerated by in silico analysis. Since supporting evidence is limited at this time, the clinical significance of this alteration remains unclear.